The following is an entry in ClinVar:

ClinVar aggregate classification (germline): Likely benign. Review status: criteria provided, multiple submitters, no conflicts (2 of 4 stars). 6 submissions from 6 submitters: Likely benign (4). 2 of the submissions do not count toward it. Last evaluated 2026-05-01.

Conditions:
LEP-related disorder. Also called: LEP-related condition.

Allele frequency attached by ClinVar (database versions not stated): 1000 Genomes Project 30x 0.00016; 1000 Genomes Project 0.00020; gnomAD 0.00045 and 0.00044; ESP Exome Variant Server 0.00062; TOPMed 0.00043.
gnomAD v4.1: 197 of 1,614,174 alleles (0.012%); highest among the groups gnomAD compares: African/African-American, 0.14%; no homozygotes.

Submissions (6):

PreventionGenetics, part of Exact Sciences
Classification: Likely benign for LEP-related condition. Last evaluated: 2026-05-01. Review status: criteria provided, single submitter. Criteria: ACMG Guidelines, 2015. Collection method: clinical testing. Allele origin: germline.
Comment: This variant is classified as likely benign based on ACMG/AMP sequence variant interpretation guidelines (Richards et al. 2015 PMID: 25741868, with internal and published modifications).

Blueprint Genetics
Classification: Likely benign. Last evaluated: 2024-08-29. Review status: criteria provided, single submitter. Criteria: ACMG Guidelines, 2015. Collection method: clinical testing. Allele origin: germline.

Labcorp Genetics (formerly Invitae), Labcorp
Classification: Likely benign. Last evaluated: 2024-05-15. Review status: criteria provided, single submitter. Criteria: Invitae Variant Classification Sherloc (09022015). Collection method: clinical testing. Allele origin: germline.

Genetic Services Laboratory, University of Chicago
Classification: Likely benign. Last evaluated: 2018-07-05. Review status: criteria provided, single submitter. Criteria: ACMG Guidelines, 2015. Collection method: clinical testing. Allele origin: germline. Affected: no.

Clinical Genetics, Academic Medical Center
Classification: Benign. Review status: no assertion criteria provided. Collection method: clinical testing. Allele origin: germline. Affected: yes. Study: VKGL Data-share Consensus. Not counted in ClinVar's aggregate classification.

Genome Diagnostics Laboratory, University Medical Center Utrecht
Classification: Benign. Review status: no assertion criteria provided. Collection method: clinical testing. Allele origin: germline. Affected: yes. Study: VKGL Data-share Consensus. Not counted in ClinVar's aggregate classification.

NM_000230.3(LEP):c.15C>G (p.Thr5=)

Gene: LEP (leptin; plus strand). Cytogenetic location: 7q32.1.
Variant type: single nucleotide variant.
Coding change: c.15C>G on transcript NM_000230.3 (MANE Select); coding-DNA position 15, C replaced by G.
Protein change: p.Thr5=; no amino-acid change (threonine 5 retained).
Molecular consequence: synonymous variant.
Genome position (GRCh38, 1-based): chr7:128,252,033, C>G. VCF-style: chr7-128252033-C-G. GRCh37 (hg19) VCF-style: chr7-127892086-C-G.
Identifiers: ClinVar variation 741430 (VCV000741430.13), dbSNP rs142904532, ClinGen allele CA4469615.